The following is an entry in ClinVar:

NM_004260.4(RECQL4):c.3113G>A (p.Arg1038His)

Gene: RECQL4 (RecQ like helicase 4; minus strand). Cytogenetic location: 8q24.3.
Variant type: single nucleotide variant.
Coding change: c.3113G>A on transcript NM_004260.4 (MANE Select); coding-DNA position 3113, G replaced by A.
Protein change: p.Arg1038His; replaces arginine 1038 with histidine.
Molecular consequence: missense variant.
Genome position (GRCh38, 1-based): chr8:144,512,267, C>T on the plus strand (G>A on the coding strand, the complement: RECQL4 is on the minus strand). VCF-style: chr8-144512267-C-T. GRCh37 (hg19) VCF-style: chr8-145737650-C-T.
Other names: short protein forms R1038H.
Identifiers: ClinVar variation 406926 (VCV000406926.11), dbSNP rs374254271, ClinGen allele CA4947925.

ClinVar aggregate classification (germline): Uncertain significance. Review status: criteria provided, multiple submitters, no conflicts (2 of 4 stars). 3 submissions from 3 submitters: Uncertain significance (3). Last evaluated 2024-11-05.

Conditions:
Rothmund-Thomson syndrome type 2 (RTS2). Identifiers: Orphanet 221016, MedGen C5203410, MONDO:0016369, OMIM 268400.
Baller-Gerold syndrome (BGS). Also called: CRANIOSYNOSTOSIS WITH RADIAL DEFECTS. Identifiers: Orphanet 1225, MedGen C0265308, MONDO:0009039, OMIM 218600.
Rapadilino syndrome. Identifiers: Orphanet 3021, MedGen C1849453, MONDO:0009955, OMIM 266280.

Allele frequency attached by ClinVar (database versions not stated): gnomAD 0.00001 and 0.00002; TOPMed 0.00001; gnomAD exomes 0.00002 and 0.00004; ExAC 0.00008; ESP Exome Variant Server 0.00008; 1000 Genomes Project 30x 0.00016; 1000 Genomes Project 0.00020.
gnomAD v4.1: 35 of 1,612,492 alleles (0.0022%); highest among the groups gnomAD compares: Middle Eastern, 0.033%; no homozygotes.

Submissions (3):

Labcorp Genetics (formerly Invitae), Labcorp
Classification: Uncertain significance for Baller-Gerold syndrome. Last evaluated: 2024-11-05. Review status: criteria provided, single submitter. Criteria: Invitae Variant Classification Sherloc (09022015). Collection method: clinical testing. Allele origin: germline.
Comment: This sequence change replaces arginine, which is basic and polar, with histidine, which is basic and polar, at codon 1038 of the RECQL4 protein (p.Arg1038His). This variant is present in population databases (rs374254271, gnomAD 0.02%). This variant has not been reported in the literature in individuals affected with RECQL4-related conditions. ClinVar contains an entry for this variant (Variation ID: 406926). Invitae Evidence Modeling of protein sequence and biophysical properties (such as structural, functional, and spatial information, amino acid conservation, physicochemical variation, residue mobility, and thermodynamic stability) indicates that this missense variant is not expected to disrupt RECQL4 protein function with a negative predictive value of 80%. Algorithms developed to predict the effect of sequence changes on RNA splicing suggest that this variant may create or strengthen a splice site. In summary, the available evidence is currently insufficient to determine the role of this variant in disease. Therefore, it has been classified as a Variant of Uncertain Significance.

St. Jude Molecular Pathology, St. Jude Children's Research Hospital
Classification: Uncertain significance for Rothmund-Thomson syndrome type 2. Last evaluated: 2023-08-17. Review status: criteria provided, single submitter. Criteria: St. Jude Assertion Criteria 2020. Collection method: clinical testing. Allele origin: germline.
Comment: The RECQL4 c.3113G>A (p.Arg1038His) missense change has a maximum subpopulation frequency of 0.016% in gnomAD v2.1.1. In silico tools are inconclusive about a pathogenic or benign effect of this variant on protein function, and to our knowledge functional studies have not been performed. To our knowledge, this variant has not been reported in individuals with RECQL4-associated conditions. In summary, the evidence currently available is insufficient to determine the clinical significance of this variant. It has therefore been classified as of uncertain significance.

Fulgent Genetics
Classification: Uncertain significance for Baller-Gerold syndrome; Rapadilino syndrome; Rothmund-Thomson syndrome type 2. Last evaluated: 2022-05-17. Review status: criteria provided, single submitter. Criteria: ACMG Guidelines, 2015. Collection method: clinical testing. Allele origin: unknown.